The following is an entry in ClinVar:

NM_144687.4(NLRP12):c.1726G>A (p.Glu576Lys)

Gene: NLRP12 (NLR family pyrin domain containing 12; minus strand). Cytogenetic location: 19q13.42.
Variant type: single nucleotide variant.
Coding change: c.1726G>A on transcript NM_144687.4 (MANE Select); coding-DNA position 1726, G replaced by A.
Protein change: p.Glu576Lys; replaces glutamic acid 576 with lysine.
Molecular consequence: missense variant.
Genome position (GRCh38, 1-based): chr19:53,809,933, C>T on the plus strand (G>A on the coding strand, the complement: NLRP12 is on the minus strand). VCF-style: chr19-53809933-C-T. GRCh37 (hg19) VCF-style: chr19-54313187-C-T.
Other names: c.1726G>A, p.Glu576Lys (NM_001277126.2, NM_001277129.1); short protein forms E576K.
Identifiers: ClinVar variation 3731414 (VCV003731414.1).

ClinVar aggregate classification (germline): Uncertain significance (1 of 4 stars; one submission).

Conditions:
Familial cold autoinflammatory syndrome 2 (FCAS2). Identifiers: Orphanet 247868, MedGen C2673198, MONDO:0012724, OMIM 611762.

gnomAD v4.1: 1 of 1,614,124 alleles (0.000062%); highest among the groups gnomAD compares: South Asian, 0.0011%; no homozygotes.

Submission:

Neuberg Centre For Genomic Medicine, NCGM
Classification: Uncertain significance for Familial cold autoinflammatory syndrome 2. Last evaluated: 2023-06-22. Review status: criteria provided, single submitter. Criteria: ACMG Guidelines, 2015. Collection method: clinical testing. Allele origin: germline. Inheritance: Autosomal dominant inheritance. Affected: yes.
Comment: The observed missense variant c.1726G>A(p.Glu576Lys) in NLRP12 gene has not been reported previously as a pathogenic variant nor as a benign variant, to our knowledge. This variant is reported with 0.0004% allele frequency in gnomAD Exomes. The amino acid Glu at position 576 is changed to a Lys changing protein sequence and it might alter its composition and physico-chemical properties. Computational evidence (Polyphen-possibly damaging, SIFT-damaging and MutationTaster-polymorphism) predicts conflicting evidence on protein structure and function for this variant.The reference amino acid p.Glu576Lys in NLRP12 is predicted as conserved by GERP++ and PhyloP across 100 vertebrates. For these reasons, this variant has been classified as Uncertain Significance.